The following is an entry in ClinVar:

NM_002890.3(RASA1):c.418C>A (p.Pro140Thr)

Gene: RASA1 (RAS p21 protein activator 1; plus strand). Cytogenetic location: 5q14.3.
Variant type: single nucleotide variant.
Coding change: c.418C>A on transcript NM_002890.3 (MANE Select); coding-DNA position 418, C replaced by A.
Protein change: p.Pro140Thr; replaces proline 140 with threonine.
Molecular consequence: missense variant.
Genome position (GRCh38, 1-based): chr5:87,268,869, C>A. VCF-style: chr5-87268869-C-A. GRCh37 (hg19) VCF-style: chr5-86564686-C-A.
Other names: short protein forms P140T.
Identifiers: ClinVar variation 934823 (VCV000934823.10), dbSNP rs751440049, ClinGen allele CA360417351.

ClinVar aggregate classification (germline): Uncertain significance (1 of 4 stars; one submission).

Conditions:
Capillary malformation-arteriovenous malformation syndrome. Also called: Capillary malformation-arteriovenous malformation. Identifiers: Orphanet 137667, MedGen C1842180, MONDO:0012016.

gnomAD v4.1: 4 of 1,614,176 alleles (0.00025%); highest among the groups gnomAD compares: Non-Finnish European, 0.00034%; no homozygotes.

Submission:

Labcorp Genetics (formerly Invitae), Labcorp
Classification: Uncertain significance for Capillary malformation-arteriovenous malformation syndrome. Last evaluated: 2024-11-16. Review status: criteria provided, single submitter. Criteria: Invitae Variant Classification Sherloc (09022015). Collection method: clinical testing. Allele origin: germline.
Comment: This sequence change replaces proline, which is neutral and non-polar, with threonine, which is neutral and polar, at codon 140 of the RASA1 protein (p.Pro140Thr). This variant is not present in population databases (gnomAD no frequency). This variant has not been reported in the literature in individuals affected with RASA1-related conditions. ClinVar contains an entry for this variant (Variation ID: 934823). An algorithm developed to predict the effect of missense changes on protein structure and function (PolyPhen-2) suggests that this variant is likely to be disruptive. In summary, the available evidence is currently insufficient to determine the role of this variant in disease. Therefore, it has been classified as a Variant of Uncertain Significance.